The following is an entry in ClinVar:

ClinVar aggregate classification (germline): Uncertain significance. Review status: criteria provided, multiple submitters, no conflicts (2 of 4 stars). 2 submissions from 2 submitters: Uncertain significance (2). Last evaluated 2025-07-20.

Conditions:
POLD1-related polyposis and colorectal cancer syndrome (CRCS10). Also called: Colorectal cancer, susceptibility to, 10; Colorectal cancer 10; COLORECTAL CANCER, SUSCEPTIBILITY TO, ON CHROMOSOME 19q. Identifiers: Orphanet 220460, MedGen C2675481, MONDO:0012953, OMIM 612591.
Hereditary cancer-predisposing syndrome. Also called: Hereditary neoplastic syndrome; Tumor predisposition; Hereditary Cancer Syndrome; Neoplastic Syndromes, Hereditary. Identifiers: Orphanet 140162, MedGen C0027672, MeSH D009386, MONDO:0015356.

Allele frequency attached by ClinVar (database versions not stated): gnomAD exomes below 0.00001.
gnomAD v4.1: 2 of 1,614,040 alleles (0.00012%); highest among the groups gnomAD compares: Non-Finnish European, 0.00017%; no homozygotes.

Submissions (2):

Ambry Genetics
Classification: Uncertain significance for Hereditary cancer-predisposing syndrome. Last evaluated: 2025-07-20. Review status: criteria provided, single submitter. Criteria: Ambry Variant Classification Scheme 2023. Collection method: clinical testing. Allele origin: germline.
Comment: The p.S176G variant (also known as c.526A>G), located in coding exon 4 of the POLD1 gene, results from an A to G substitution at nucleotide position 526. The serine at codon 176 is replaced by glycine, an amino acid with similar properties. This amino acid position is conserved. In addition, this alteration is predicted to be tolerated by in silico analysis. Since supporting evidence is limited at this time, the clinical significance of this alteration remains unclear.

Labcorp Genetics (formerly Invitae), Labcorp
Classification: Uncertain significance for POLD1-related polyposis and colorectal cancer syndrome. Last evaluated: 2020-07-07. Review status: criteria provided, single submitter. Criteria: Invitae Variant Classification Sherloc (09022015). Collection method: clinical testing. Allele origin: germline.
Comment: In summary, the available evidence is currently insufficient to determine the role of this variant in disease. Therefore, it has been classified as a Variant of Uncertain Significance. Algorithms developed to predict the effect of missense changes on protein structure and function (SIFT, PolyPhen-2, Align-GVGD) all suggest that this variant is likely to be tolerated, but these predictions have not been confirmed by published functional studies and their clinical significance is uncertain. This variant has not been reported in the literature in individuals with POLD1-related disease. This variant is not present in population databases (ExAC no frequency). This sequence change replaces serine with glycine at codon 176 of the POLD1 protein (p.Ser176Gly). The serine residue is weakly conserved and there is a small physicochemical difference between serine and glycine.

NM_002691.4(POLD1):c.526A>G (p.Ser176Gly)

Gene: POLD1 (DNA polymerase delta 1, catalytic subunit; plus strand). Cytogenetic location: 19q13.33.
Variant type: single nucleotide variant.
Coding change: c.526A>G on transcript NM_002691.4 (MANE Select); coding-DNA position 526, A replaced by G.
Protein change: p.Ser176Gly; replaces serine 176 with glycine.
Molecular consequence: missense variant. On other transcripts: non-coding transcript variant (1).
Genome position (GRCh38, 1-based): chr19:50,402,061, A>G. VCF-style: chr19-50402061-A-G. GRCh37 (hg19) VCF-style: chr19-50905318-A-G.
Other names: c.526A>G, p.Ser176Gly (NM_001256849.1, NM_001308632.1); short protein forms S176G.
Identifiers: ClinVar variation 653042 (VCV000653042.12), dbSNP rs1601199616, ClinGen allele CA406973168.
Genomic context (GRCh38, chr19:50,402,061, plus strand): 5'-TTCGGGCCCGAGCACATGGGTGACCTGCAACGGGAGCTGAACTTGGCCATCAGCCGGGAC[A>G]GTCGCGGGGGGAGGGAGCTGACTGGGCCGGCCGTGCTGGCTGTGGAACTGTGCTCCCGAG-3'
Protein context (NP_002682.2, residues 166-186): RELNLAISRD[Ser176Gly]RGGRELTGPA